The following is an entry in ClinVar:

NM_001204.7(BMPR2):c.2102G>A (p.Ser701Asn)

Gene: BMPR2 (bone morphogenetic protein receptor type 2; plus strand). Cytogenetic location: 2q33.2.
Variant type: single nucleotide variant.
Coding change: c.2102G>A on transcript NM_001204.7 (MANE Select); coding-DNA position 2102, G replaced by A.
Protein change: p.Ser701Asn; replaces serine 701 with asparagine.
Molecular consequence: missense variant.
Genome position (GRCh38, 1-based): chr2:202,555,767, G>A. VCF-style: chr2-202555767-G-A. GRCh37 (hg19) VCF-style: chr2-203420490-G-A.
Other names: short protein forms S701N.
Identifiers: ClinVar variation 4598039 (VCV004598039.1).

ClinVar aggregate classification (germline): Uncertain significance (1 of 4 stars; one submission).

Conditions:
Inborn genetic diseases. Identifiers: MedGen C0950123, MeSH D030342.

Submission:

Ambry Genetics
Classification: Uncertain significance for Inborn genetic diseases. Last evaluated: 2025-12-03. Review status: criteria provided, single submitter. Criteria: Ambry Variant Classification Scheme 2023. Collection method: clinical testing. Allele origin: germline.
Comment: The p.S701N variant (also known as c.2102G>A), located in coding exon 12 of the BMPR2 gene, results from a G to A substitution at nucleotide position 2102. The serine at codon 701 is replaced by asparagine, an amino acid with highly similar properties. This amino acid position is conserved. In addition, the in silico prediction for this alteration is inconclusive. Based on the available evidence, the clinical significance of this variant remains unclear.